The following is an entry in ClinVar:

ClinVar aggregate classification (germline): Uncertain significance (1 of 4 stars; one submission).

gnomAD v4.1: 81 of 1,613,442 alleles (0.005%); highest among the groups gnomAD compares: Admixed American, 0.018%; no homozygotes.

Submission:

GeneDx
Classification: Uncertain significance. Last evaluated: 2025-03-05. Review status: criteria provided, single submitter. Criteria: GeneDx Variant Classification Process June 2021. Collection method: clinical testing. Allele origin: germline. Affected: yes.
Comment: In silico analysis supports that this missense variant has a deleterious effect on protein structure/function; Has not been previously published as pathogenic or benign to our knowledge

NM_001376571.1(MADD):c.2633C>T (p.Thr878Met)

Gene: MADD (MAP kinase activating death domain; plus strand). Cytogenetic location: 11p11.2.
Variant type: single nucleotide variant.
Coding change: c.2633C>T on transcript NM_001376571.1 (MANE Select); coding-DNA position 2633, C replaced by T.
Protein change: p.Thr878Met; replaces threonine 878 with methionine.
Molecular consequence: missense variant. On other transcripts: non-coding transcript variant (7), intron variant (6).
Genome position (GRCh38, 1-based): chr11:47,286,514, C>T. VCF-style: chr11-47286514-C-T. GRCh37 (hg19) VCF-style: chr11-47308065-C-T.
Other names: c.2429C>T, p.Thr810Met (NM_001376620.1, NM_001376626.1, NM_001376648.1 and 1 more transcripts); c.2504C>T, p.Thr835Met (NM_001376621.1, NM_001376624.1, NM_001376625.1 and 39 more transcripts); c.2633C>T, p.Thr878Met (NM_001376622.1, NM_001376623.1, NM_003682.4 and 27 more transcripts); c.2300C>T, p.Thr767Met (NM_001376627.1, NM_001376644.1, NM_001376646.1 and 5 more transcripts); c.1967C>T, p.Thr656Met (NM_001376663.1); c.2551+924C>T (NM_001376614.1, NM_001376583.1, NM_001376611.1 and 1 more transcripts); c.2422+924C>T (NM_001376658.1, NM_001376650.1); c.2606C>T, p.Thr869Met (NM_001376578.1, NM_001376631.1); and 2 more; short protein forms T656M, T767M, T810M, T826M, T827M, T835M, T869M, T878M.
Identifiers: ClinVar variation 4082730 (VCV004082730.1).